The following is an entry in ClinVar:

NM_004006.3(DMD):c.3705C>T (p.Ala1235=)

Gene: DMD (dystrophin; minus strand). Cytogenetic location: Xp21.1.
Variant type: single nucleotide variant.
Coding change: c.3705C>T on transcript NM_004006.3 (MANE Select); coding-DNA position 3705, C replaced by T.
Protein change: p.Ala1235=; no amino-acid change (alanine 1235 retained).
Molecular consequence: synonymous variant.
Genome position (GRCh38, 1-based): chrX:32,448,537, G>A on the plus strand (C>T on the coding strand, the complement: DMD is on the minus strand). VCF-style: chrX-32448537-G-A. GRCh37 (hg19) VCF-style: chrX-32466654-G-A.
Other names: p.A1235A:GCC>GCT; p.Ala1235=; c.3681C>T, p.Ala1227= (NM_000109.4); c.3693C>T, p.Ala1231= (NM_004009.3); c.3336C>T, p.Ala1112= (NM_004010.3).
Identifiers: ClinVar variation 94603 (VCV000094603.42), dbSNP rs143628111, ClinGen allele CA285559.
Genomic context (GRCh38, chrX:32,448,537, plus strand): 5'-ATTCAGCCTAGTGCAGAGCCACTGGTAGTTGGTGGTTAGAGTTTCAAGTTCCTTTTTTAA[G>A]GCCTCTTGTGCTACAGGTGGAGCTTGAGCTATGACACTATTTACAGACTCAGTAAGGAGT-3'
Protein context (NP_003997.2, residues 1225-1245): IAQAPPVAQE[Ala1235=]LKKELETLTT

ClinVar aggregate classification (germline): Benign. Review status: criteria provided, multiple submitters, no conflicts (2 of 4 stars). 14 submissions from 14 submitters: Benign (13). 1 of the submissions does not count toward it. Last evaluated 2026-02-03.

Conditions:
Cardiovascular phenotype. Identifiers: MedGen CN230736.
Dystrophin deficiency.
Becker muscular dystrophy (BMD). Also called: MUSCULAR DYSTROPHY, PSEUDOHYPERTROPHIC PROGRESSIVE, BECKER TYPE; Becker Muscular Dystrophy (BMD). Identifiers: Orphanet 98895, MedGen C0917713, MONDO:0010311, OMIM 300376.
Cardiomyopathy (CMYO). Also called: Cardiomyopathies. Identifiers: Orphanet 167848, MedGen C0878544, MONDO:0004994, HP:0001638. Inheritance: Various modes of inheritance.
Duchenne muscular dystrophy (DMD). Also called: Duchenne Muscular Dystrophy (DMD); MUSCULAR DYSTROPHY, PSEUDOHYPERTROPHIC PROGRESSIVE, DUCHENNE TYPE. Identifiers: Orphanet 98896, MedGen C0013264, MONDO:0010679, OMIM 310200.
Dilated cardiomyopathy 3B (CMD3B). Also called: CMD3B: DMD-Related Dilated Cardiomyopathy; CARDIOMYOPATHY, DILATED, X-LINKED; DMD-Associated Dilated Cardiomyopathy. Identifiers: Orphanet 154, MedGen C3668940, MONDO:0010542, OMIM 302045.

Allele frequency attached by ClinVar (database versions not stated): ExAC 0.00531; TOPMed 0.01623; 1000 Genomes Project 30x 0.02123; 1000 Genomes Project 0.01881; gnomAD exomes 0.00143 and 0.00407; gnomAD 0.01427 and 0.01510; ESP Exome Variant Server 0.01752.
gnomAD v4.1: 3,196 of 1,206,657 alleles (0.26%); highest among the groups gnomAD compares: African/African-American, 5%; 53 homozygotes.

Submissions (14):

Labcorp Genetics (formerly Invitae), Labcorp
Classification: Benign for Duchenne muscular dystrophy. Last evaluated: 2026-02-03. Review status: criteria provided, single submitter. Criteria: Invitae Variant Classification Sherloc (09022015). Collection method: clinical testing. Allele origin: germline.

ARUP Laboratories, Molecular Genetics and Genomics, ARUP Laboratories
Classification: Benign. Last evaluated: 2025-05-15. Review status: criteria provided, single submitter. Criteria: ARUP Molecular Germline Variant Investigation Process 2024. Collection method: clinical testing. Allele origin: germline.

Molecular Diagnostic Laboratory for Inherited Cardiovascular Disease, Montreal Heart Institute
Classification: Benign. Last evaluated: 2025-04-09. Review status: criteria provided, single submitter. Criteria: ACMG Guidelines, 2015. Collection method: clinical testing. Allele origin: germline. Affected: no.

Mayo Clinic Laboratories, Mayo Clinic
Classification: Benign. Last evaluated: 2023-01-15. Review status: criteria provided, single submitter. Criteria: ACMG Guidelines, 2015. Collection method: clinical testing. Allele origin: germline. Observed: 21 variant alleles.

Women's Health and Genetics/Laboratory Corporation of America, LabCorp
Classification: Benign. Last evaluated: 2021-04-18. Review status: criteria provided, single submitter. Criteria: LabCorp Variant Classification Summary - May 2015. Collection method: clinical testing. Allele origin: germline.

Illumina Laboratory Services, Illumina
Classification: Benign for Dilated cardiomyopathy 3B. Last evaluated: 2018-01-13. Review status: criteria provided, single submitter. Criteria: ICSL Variant Classification Criteria 13 December 2019. Collection method: clinical testing. Allele origin: germline.
Comment: This variant was observed in the ICSL laboratory as part of a predisposition screen in an ostensibly healthy population. It had not been previously curated by ICSL or reported in the Human Gene Mutation Database (HGMD: prior to June 1st, 2018), and was therefore a candidate for classification through an automated scoring system. Utilizing variant allele frequency, disease prevalence and penetrance estimates, and inheritance mode, an automated score was calculated to assess if this variant is too frequent to cause the disease. Based on the score and internal cut-off values, a variant classified as benign is not then subjected to further curation. The score for this variant resulted in a classification of benign for this disease.

Athena Diagnostics
Classification: Benign. Last evaluated: 2017-10-23. Review status: criteria provided, single submitter. Criteria: Athena Diagnostics Criteria. Collection method: clinical testing. Allele origin: germline.

Ambry Genetics
Classification: Benign for Cardiovascular phenotype. Last evaluated: 2015-10-22. Review status: criteria provided, single submitter. Criteria: Ambry Variant Classification Scheme 2023. Collection method: clinical testing. Allele origin: germline.

Laboratory for Molecular Medicine, Mass General Brigham Personalized Medicine
Classification: Benign. Last evaluated: 2015-01-13. Review status: criteria provided, single submitter. Criteria: LMM Criteria. Collection method: clinical testing. Allele origin: germline. Observed: 4 variant alleles.
Comment: p.Ala1235Ala in exon 27 of DMD: This variant is not expected to have clinical si gnificance because it does not alter an amino acid residue and is not located wi thin the splice consensus sequence. It has been identified in 4.8% (183/3833) of African American chromosomes by the NHLBI Exome Sequencing Project (.; dbSNP rs143628111).

GeneDx
Classification: Benign. Last evaluated: 2014-04-03. Review status: criteria provided, single submitter. Criteria: GeneDx Variant Classification (06012015). Collection method: clinical testing. Allele origin: germline. Affected: yes.
Comment: This variant is considered likely benign or benign based on one or more of the following criteria: it is a conservative change, it occurs at a poorly conserved position in the protein, it is predicted to be benign by multiple in silico algorithms, and/or has population frequency not consistent with disease.

Eurofins Ntd Llc (ga)
Classification: Benign. Last evaluated: 2013-03-13. Review status: criteria provided, single submitter. Criteria: EGL Classification Definitions 2015. Collection method: clinical testing. Allele origin: germline. Observed: 7 variant alleles, 2 heterozygotes, 1 homozygote, 4 hemizygotes.

Breakthrough Genomics
Classification: Benign. Review status: criteria provided, single submitter. Criteria: ACMG Guidelines, 2015. Collection method: not provided. Allele origin: germline. Inheritance: X-linked inheritance. Affected: yes.

PreventionGenetics, part of Exact Sciences
Classification: Benign. Review status: criteria provided, single submitter. Criteria: ACMG Guidelines, 2015. Collection method: clinical testing. Allele origin: germline.

Natera, Inc.
Classification: Benign for Becker muscular dystrophy; Cardiomyopathy; Duchenne muscular dystrophy; Dystrophin deficiency. Last evaluated: 2017-04-21. Review status: no assertion criteria provided. Collection method: clinical testing. Allele origin: germline. Not counted in ClinVar's aggregate classification.